The following is an entry in ClinVar:

NM_000088.4(COL1A1):c.1516-1G>A

Gene: COL1A1 (collagen type I alpha 1 chain; minus strand). Cytogenetic location: 17q21.33.
Variant type: single nucleotide variant.
Coding change: c.1516-1G>A on transcript NM_000088.4 (MANE Select); the canonical splice acceptor site of the intron before coding-DNA position 1516, G replaced by A.
Molecular consequence: splice acceptor variant.
Genome position (GRCh38, 1-based): chr17:50,194,448, C>T on the plus strand (G>A on the coding strand, the complement: COL1A1 is on the minus strand). VCF-style: chr17-50194448-C-T. GRCh37 (hg19) VCF-style: chr17-48271809-C-T.
Identifiers: ClinVar variation 456736 (VCV000456736.9), dbSNP rs72648352, ClinGen allele CA400217030.

ClinVar aggregate classification (germline): Pathogenic. Review status: criteria provided, multiple submitters, no conflicts (2 of 4 stars). 3 submissions from 3 submitters: Pathogenic (3). Last evaluated 2025-07-16.

Conditions:
Osteogenesis imperfecta type I (OI1). Also called: OI, TYPE I; OSTEOGENESIS IMPERFECTA TARDA; OSTEOGENESIS IMPERFECTA WITH BLUE SCLERAE; Osteogenesis imperfecta type 1; Lobstein's Disease; Lobstein disease. Identifiers: Orphanet 216796, Orphanet 666, MedGen C0023931, MONDO:0008146, OMIM 166200. Disease mechanism: loss of function.

Submissions (3):

Clinical Biomedical Laboratory, Shriners Hospital For Children - Canada
Classification: Pathogenic for Osteogenesis imperfecta type I. Last evaluated: 2025-07-16. Review status: criteria provided, single submitter. Criteria: ACMG Guidelines, 2015. Collection method: clinical testing. Allele origin: germline. Affected: yes.
Comment: The variant affects a consensus acceptor splice site in COL1A1 and is expected to disrupt RNA splicing leading to haploinsufficiency. This variant is absent from the Genome Aggregation Database (v2.1.1). Variants affecting the same nucleotide (COL1A1 c.1516-1G>T; c.1516-1G>T) have been published as causes of osteogenesis imperfecta (PMID 25963598, 12590186).

GeneDx
Classification: Pathogenic. Last evaluated: 2025-04-25. Review status: criteria provided, single submitter. Criteria: GeneDx Variant Classification Process June 2021. Collection method: clinical testing. Allele origin: germline. Affected: yes.
Comment: Damages or destroys the splice acceptor site in intron 22, and is expected to cause abnormal gene splicing; if the splice outcome is exon skip, the loss of the encoded residues in the triple helical region is expected to disrupt normal protein folding and function, and this is an established mechanism of disease (HGMD); Not observed at significant frequency in large population cohorts (gnomAD); Has not been previously published as pathogenic or benign to our knowledge

Labcorp Genetics (formerly Invitae), Labcorp
Classification: Pathogenic for Osteogenesis imperfecta type I. Last evaluated: 2023-08-10. Review status: criteria provided, single submitter. Criteria: Invitae Variant Classification Sherloc (09022015). Collection method: clinical testing. Allele origin: germline.
Comment: For these reasons, this variant has been classified as Pathogenic. Algorithms developed to predict the effect of sequence changes on RNA splicing suggest that this variant may disrupt the consensus splice site. ClinVar contains an entry for this variant (Variation ID: 456736). Disruption of this splice site has been observed in individuals with osteogenesis imperfecta (PMID: 12590186, 25963598). This variant is not present in population databases (gnomAD no frequency). This sequence change affects an acceptor splice site in intron 22 of the COL1A1 gene. It is expected to disrupt RNA splicing. Variants that disrupt the donor or acceptor splice site typically lead to a loss of protein function (PMID: 16199547), and loss-of-function variants in COL1A1 are known to be pathogenic (PMID: 7942841, 9295084, 9443882).

Literature cited by the submitters: PubMed 25963598 (cited by Clinical Biomedical Laboratory, Shriners Hospital For Children - Canada and Labcorp Genetics (formerly Invitae), Labcorp); PubMed 12590186 (cited by Clinical Biomedical Laboratory, Shriners Hospital For Children - Canada and Labcorp Genetics (formerly Invitae), Labcorp); PubMed 16199547 (cited by Labcorp Genetics (formerly Invitae), Labcorp); PubMed 7942841 (cited by Labcorp Genetics (formerly Invitae), Labcorp); PubMed 9295084 (cited by Labcorp Genetics (formerly Invitae), Labcorp); PubMed 9443882 (cited by Labcorp Genetics (formerly Invitae), Labcorp).